The following is an entry in ClinVar:

NM_001244008.2(KIF1A):c.2721GGA[5] (p.Glu912_Glu917del)

Gene: KIF1A (kinesin family member 1A; minus strand). Cytogenetic location: 2q37.3.
Variant type: Microsatellite.
Coding change: c.2721GGA[5] on transcript NM_001244008.2 (MANE Select); five copies in a row of the 3-base unit GGA starting at c.2721; the reference has 11 copies in a row; six copies, 18 bases deleted.
Protein change: p.Glu912_Glu917del.
Molecular consequence: inframe deletion. On other transcripts: inframe indel (2), intron variant (18).
Genome position (GRCh38, 1-based): chr2:240,757,424-240,757,441, TCCTCCTCCTCCTCCTCC deleted on the plus strand (GGAGGAGGAGGAGGAGGA on the coding strand, the reverse complement: KIF1A is on the minus strand); deleting any 18 consecutive bases within chr2:240,757,424-240,757,456 gives the same sequence; the position shown is the placement nearest the transcript's 3' end. VCF-style (leftmost placement, unchanged base first): chr2-240757423-ATCCTCCTCCTCCTCCTCC-A. GRCh37 (hg19) VCF-style: chr2-241696840-ATCCTCCTCCTCCTCCTCC-A.
Other names: c.2721_2723GGA[5], p.Glu912_Glu917del (NM_001244008.1); c.2796GGA[5], p.Glu937_Glu942del (NM_001379631.1); c.2670GGA[5], p.Glu895_Glu900del (NM_001379632.1); c.2694GGA[5], p.Glu903_Glu908del (NM_001379633.1, NM_001379642.1, NM_001379645.1); c.2555+904GGA[5] (NM_001379653.1, NM_001379650.1, NM_001379640.1 and 6 more transcripts); c.2657+904GGA[5] (NM_001379635.1, NM_001330290.2, NM_001379646.1 and 1 more transcripts); c.2630+904GGA[5] (NM_001379637.1, NM_001379648.1); c.2582+904GGA[5] (NM_001320705.2, NM_001379638.1, NM_001330289.2); and 1 more.
Identifiers: ClinVar variation 3355419 (VCV003355419.1).

ClinVar aggregate classification (germline): Uncertain significance (0 of 4 stars; one submission).

Conditions:
KIF1A-related disorder. Also called: KIF1A-related disorders; KIF1A-related condition.

Submission:

PreventionGenetics, part of Exact Sciences
Classification: Uncertain significance for KIF1A-related condition. Last evaluated: 2024-09-06. Review status: no assertion criteria provided. Collection method: clinical testing. Allele origin: germline.
Comment: The KIF1A c.2736_2753del18 variant is predicted to result in an in-frame deletion (p.Glu912_Glu917del). To our knowledge, this variant has not been reported in the literature or in a large population database, indicating this variant is rare. Of note, this variant occurs in a low-complexity region where different in-frame insertion-deletion variants are common in the general population. At this time, the clinical significance of this variant is uncertain due to the absence of conclusive functional and genetic evidence.